The following is an entry in ClinVar:

NM_000038.6(APC):c.-18-398A>C

Gene: APC (APC regulator of WNT signaling pathway; plus strand). Cytogenetic location: 5q22.2.
Variant type: single nucleotide variant.
Coding change: c.-18-398A>C on transcript NM_000038.6 (MANE Select); 398 bases into the intron before 18 bases upstream of the start codon, A replaced by C.
Molecular consequence: intron variant.
Genome position (GRCh38, 1-based): chr5:112,754,475, A>C. VCF-style: chr5-112754475-A-C. GRCh37 (hg19) VCF-style: chr5-112090172-A-C.
Other names: c.-18-398A>C (NM_001354895.2, NM_001127510.3, NM_001354896.2 and 2 more transcripts); c.166-11851A>C (NM_001354897.2, NM_001354902.2, NM_001127511.3); c.61-11851A>C (NM_001354898.2, NM_001354904.2); c.-1053-398A>C (NM_001354906.2); c.-42-11851A>C (NM_001354900.2, NM_001354901.2, NM_001354905.2).
Identifiers: ClinVar variation 82814 (VCV000082814.2), dbSNP rs76429873, ClinGen allele CA006080.

ClinVar aggregate classification (germline): other (0 of 4 stars; one submission).

Conditions:
Familial colorectal cancer. Identifiers: MedGen CN280943, MONDO:0023113. Disease mechanism: loss of function.

Submission:

Systems Biology Platform Zhejiang California International NanoSystems Institute
Classification: other for Familial colorectal cancer. Review status: no assertion criteria provided. Collection method: not provided. Allele origin: unknown.
ClinVar note: Converted during submission from cancer to other.